The following is an entry in ClinVar:

NM_006648.4(WNK2):c.2995C>G (p.Pro999Ala)

Gene: WNK2 (WNK lysine deficient protein kinase 2; plus strand). Cytogenetic location: 9q22.31.
Variant type: single nucleotide variant.
Coding change: c.2995C>G on transcript NM_006648.4 (MANE Select); coding-DNA position 2995, C replaced by G.
Protein change: p.Pro999Ala; replaces proline 999 with alanine.
Molecular consequence: missense variant.
Genome position (GRCh38, 1-based): chr9:93,259,543, C>G. VCF-style: chr9-93259543-C-G. GRCh37 (hg19) VCF-style: chr9-96021825-C-G.
Other names: c.2995C>G, p.Pro999Ala (NM_001282394.3); short protein forms P999A.
Identifiers: ClinVar variation 5031801 (VCV005031801.1).

ClinVar aggregate classification (germline): Uncertain significance (1 of 4 stars; one submission).

Submission:

Ambry Genetics
Classification: Uncertain significance. Last evaluated: 2026-06-22. Review status: criteria provided, single submitter. Criteria: Ambry Variant Classification Scheme 2023. Collection method: clinical testing. Allele origin: germline.
Comment: The p.P999A variant (also known as c.2995C>G), located in coding exon 11 of the WNK2 gene, results from a C to G substitution at nucleotide position 2995. The proline at codon 999 is replaced by alanine, an amino acid with highly similar properties. This amino acid position is conserved. In addition, this alteration is predicted to be tolerated by in silico analysis. Based on the available evidence, the clinical significance of this variant remains unclear.